The following is an entry in ClinVar:

NM_000051.4(ATM):c.7181_7189delinsGTAT (p.Ser2394fs)

Genes: ATM (ATM serine/threonine kinase; plus strand), C11orf65 (chromosome 11 open reading frame 65; minus strand). Cytogenetic location: 11q22.3.
Variant type: Indel.
Coding change: c.7181_7189delinsGTAT on transcript NM_000051.4 (MANE Select); coding-DNA positions 7181 to 7189, CAGATACTC replaced by GTAT.
Protein change: p.Ser2394fs; shifts the reading frame from serine 2394.
Molecular consequence: frameshift variant. On other transcripts: intron variant (2).
Genome position (GRCh38, 1-based): chr11:108,329,112-108,329,120, CAGATACTC replaced by GTAT. VCF-style: chr11-108329112-CAGATACTC-GTAT. GRCh37 (hg19) VCF-style: chr11-108199839-CAGATACTC-GTAT.
Other names: c.7181_7189delinsGTAT, p.Ser2394fs (NM_001351834.2); c.641-20049_641-20041delinsATAC (NM_001330368.2); c.*38+6100_*38+6108delinsATAC (NM_001351110.2); short protein forms S2394fs.
Identifiers: ClinVar variation 3222743 (VCV003222743.1), dbSNP rs2547248577, ClinGen allele CA2825001948.

ClinVar aggregate classification (germline): Pathogenic (1 of 4 stars; one submission).

Conditions:
Hereditary cancer-predisposing syndrome. Also called: Tumor predisposition; Hereditary Cancer Syndrome; Hereditary neoplastic syndrome; Neoplastic Syndromes, Hereditary. Identifiers: Orphanet 140162, MedGen C0027672, MeSH D009386, MONDO:0015356.

Submission:

Ambry Genetics
Classification: Pathogenic for Hereditary cancer-predisposing syndrome. Last evaluated: 2023-12-21. Review status: criteria provided, single submitter. Criteria: Ambry Variant Classification Scheme 2023. Collection method: clinical testing. Allele origin: germline.
Comment: The c.7181_7189delCAGATACTCinsGTAT pathogenic mutation, located in coding exon 48 of the ATM gene, results from the deletion of 9 nucleotides and insertion of 4 nucleotides causing a translational frameshift with a predicted alternate stop codon (p.S2394Cfs*7). This variant is considered to be rare based on population cohorts in the Genome Aggregation Database (gnomAD). This alteration is expected to result in loss of function by premature protein truncation or nonsense-mediated mRNA decay. As such, this alteration is interpreted as a disease-causing mutation.